The following is an entry in ClinVar:

NM_000238.4(KCNH2):c.3321G>A (p.Ser1107=)

Gene: KCNH2 (potassium voltage-gated channel subfamily H member 2; minus strand). Cytogenetic location: 7q36.1.
Variant type: single nucleotide variant.
Coding change: c.3321G>A on transcript NM_000238.4 (MANE Select); coding-DNA position 3321, G replaced by A.
Protein change: p.Ser1107=; no amino-acid change (serine 1107 retained).
Molecular consequence: synonymous variant.
Genome position (GRCh38, 1-based): chr7:150,946,886, C>T on the plus strand (G>A on the coding strand, the complement: KCNH2 is on the minus strand). VCF-style: chr7-150946886-C-T. GRCh37 (hg19) VCF-style: chr7-150643974-C-T.
Other names: c.3321G>A (NM_000238.2); c.2301G>A, p.Ser767= (NM_172057.3).
Identifiers: ClinVar variation 456929 (VCV000456929.62), dbSNP rs189457419, ClinGen allele CA038381.

ClinVar aggregate classification (germline): Benign/Likely benign. Review status: criteria provided, multiple submitters, no conflicts (2 of 4 stars). 8 submissions from 8 submitters: Benign (1); Likely benign (7). Last evaluated 2026-03-01.

Conditions:
Cardiac arrhythmia. Also called: Arrhythmia; Cardiac rhythm disease. Identifiers: MedGen C0003811, MONDO:0007263, HP:0011675.
Long QT syndrome (LQTS). Identifiers: MedGen C0023976, MeSH D008133, MONDO:0002442. Disease mechanism: loss of function. Inheritance: Various modes of inheritance.
Cardiovascular phenotype. Identifiers: MedGen CN230736.

Allele frequency attached by ClinVar (database versions not stated): gnomAD 0.00016 and 0.00017; 1000 Genomes Project 0.00020; TOPMed 0.00009; 1000 Genomes Project 30x 0.00016.
gnomAD v4.1: 168 of 1,596,384 alleles (0.011%); highest among the groups gnomAD compares: Middle Eastern, 0.23%; no homozygotes.

Submissions (8):

CeGaT Center for Human Genetics Tuebingen
Classification: Likely benign. Last evaluated: 2026-03-01. Review status: criteria provided, single submitter. Criteria: CeGaT Center For Human Genetics Tuebingen Variant Classification Criteria Version 2. Collection method: clinical testing. Allele origin: germline. Affected: yes. Observed: 4 variant alleles.
Comment: KCNH2: BP4, BP7

Labcorp Genetics (formerly Invitae), Labcorp
Classification: Likely benign for Long QT syndrome. Last evaluated: 2026-02-03. Review status: criteria provided, single submitter. Criteria: Invitae Variant Classification Sherloc (09022015). Collection method: clinical testing. Allele origin: germline.

Molecular Diagnostic Laboratory for Inherited Cardiovascular Disease, Montreal Heart Institute
Classification: Likely benign. Last evaluated: 2025-04-09. Review status: criteria provided, single submitter. Criteria: ACMG Guidelines, 2015. Collection method: clinical testing. Allele origin: germline. Affected: no.

Blueprint Genetics
Classification: Likely benign. Last evaluated: 2024-09-05. Review status: criteria provided, single submitter. Criteria: ACMG Guidelines, 2015. Collection method: clinical testing. Allele origin: germline.

Women's Health and Genetics/Laboratory Corporation of America, LabCorp
Classification: Likely benign. Last evaluated: 2019-08-28. Review status: criteria provided, single submitter. Criteria: LabCorp Variant Classification Summary - May 2015. Collection method: clinical testing. Allele origin: germline.

Color Diagnostics, LLC DBA Color Health
Classification: Likely benign for Arrhythmia. Last evaluated: 2018-07-02. Review status: criteria provided, single submitter. Criteria: ACMG Guidelines, 2015. Collection method: clinical testing. Allele origin: germline.

Ambry Genetics
Classification: Likely benign for Cardiovascular phenotype. Last evaluated: 2016-09-30. Review status: criteria provided, single submitter. Criteria: Ambry Variant Classification Scheme 2023. Collection method: clinical testing. Allele origin: germline.

GeneDx
Classification: Benign. Last evaluated: 2015-03-03. Review status: criteria provided, single submitter. Criteria: GeneDx Variant Classification Process June 2021. Collection method: clinical testing. Allele origin: germline. Affected: yes.